The following is an entry in ClinVar:

ClinVar aggregate classification (germline): Uncertain significance (1 of 4 stars; one submission).

Conditions:
Neurodevelopmental disorder with or without seizures and gait abnormalities. Identifiers: MedGen C4693391, MONDO:0060641, OMIM 617864.

Submission:

Breda Genetics srl
Classification: Uncertain significance for Neurodevelopmental disorder with or without seizures and gait abnormalities. Last evaluated: 2021-07-20. Review status: criteria provided, single submitter. Criteria: ACMG Guidelines, 2015. Collection method: clinical testing. Allele origin: germline. Inheritance: Autosomal dominant inheritance. Affected: yes. Observed: 1 variant allele, 1 heterozygote.
Comment: Based on allele frequency, in-silico prediction scores and a certain overlap with the clinical phenotype, we interpreted this variant at least as of uncertain significance. The lack of one or more of the following features has discouraged further investigations: lack of a possible second hit in autosomal recessive conditions, presence of healthy controls in databases for autosomal dominant conditions, presence of unmatching cardinal clinical features in the patient or in the known gene-disease association, and/or variant type outside the known gene mutational spectrum.

NM_000829.4(GRIA4):c.1237G>C (p.Glu413Gln)

Gene: GRIA4 (glutamate ionotropic receptor AMPA type subunit 4; plus strand). Cytogenetic location: 11q22.3.
Variant type: single nucleotide variant.
Coding change: c.1237G>C on transcript NM_000829.4 (MANE Select); coding-DNA position 1237, G replaced by C.
Protein change: p.Glu413Gln; replaces glutamic acid 413 with glutamine.
Molecular consequence: missense variant. On other transcripts: non-coding transcript variant (1).
Genome position (GRCh38, 1-based): chr11:105,910,513, G>C. VCF-style: chr11-105910513-G-C. GRCh37 (hg19) VCF-style: chr11-105781239-G-C.
Other names: c.1237G>C, p.Glu413Gln (NM_001077243.3, NM_001077244.2, NM_001112812.2); short protein forms E413Q.
Identifiers: ClinVar variation 1299675 (VCV001299675.1), dbSNP rs2136164234, ClinGen allele CA382305072.
Genomic context (GRCh38, chr11:105,910,513, plus strand): 5'-ATGGATAAGTTAGTCTTGATTCAAGATGTACCAACTCTTGGCAATGACACAGCTGCTATT[G>C]AGAACAGAACAGTGGTTGTAACCACAATTATGGTAAGTGTTGGTCTATGCTTTATGGTGT-3'
Protein context (NP_000820.4, residues 403-423): PTLGNDTAAI[Glu413Gln]NRTVVVTTIM